The following is an entry in ClinVar:

NM_001018115.3(FANCD2):c.642C>G (p.Ser214Arg)

Genes: FANCD2 (FA complementation group D2; plus strand), LOC107303338 (3p25 FANCD2 Alu-mediated recombination region; plus strand). Cytogenetic location: 3p25.3.
Variant type: single nucleotide variant.
Coding change: c.642C>G on transcript NM_001018115.3 (MANE Select); coding-DNA position 642, C replaced by G.
Protein change: p.Ser214Arg; replaces serine 214 with arginine.
Molecular consequence: missense variant.
Genome position (GRCh38, 1-based): chr3:10,039,792, C>G. VCF-style: chr3-10039792-C-G. GRCh37 (hg19) VCF-style: chr3-10081476-C-G.
Other names: c.642C>G, p.Ser214Arg (NM_001319984.2, NM_001374253.1, NM_001374254.1 and 2 more transcripts); short protein forms S214R.
Identifiers: ClinVar variation 3665818 (VCV003665818.2).

ClinVar aggregate classification (germline): Uncertain significance (1 of 4 stars; one submission).

Conditions:
Fanconi anemia (FA). Also called: Fanconi's anemia. Identifiers: Orphanet 84, MedGen C0015625, MeSH D005199, MONDO:0019391.

Submission:

Labcorp Genetics (formerly Invitae), Labcorp
Classification: Uncertain significance for Fanconi anemia. Last evaluated: 2024-10-24. Review status: criteria provided, single submitter. Criteria: Invitae Variant Classification Sherloc (09022015). Collection method: clinical testing. Allele origin: germline.
Comment: This sequence change replaces serine, which is neutral and polar, with arginine, which is basic and polar, at codon 214 of the FANCD2 protein (p.Ser214Arg). This variant is not present in population databases (gnomAD no frequency). This variant has not been reported in the literature in individuals affected with FANCD2-related conditions. Invitae Evidence Modeling of protein sequence and biophysical properties (such as structural, functional, and spatial information, amino acid conservation, physicochemical variation, residue mobility, and thermodynamic stability) indicates that this missense variant is expected to disrupt FANCD2 protein function with a positive predictive value of 80%. In summary, the available evidence is currently insufficient to determine the role of this variant in disease. Therefore, it has been classified as a Variant of Uncertain Significance.